The following is an entry in ClinVar:

ClinVar aggregate classification (germline): Uncertain significance (1 of 4 stars; one submission).

Submission:

Labcorp Genetics (formerly Invitae), Labcorp
Classification: Uncertain significance. Last evaluated: 2024-04-16. Review status: criteria provided, single submitter. Criteria: Invitae Variant Classification Sherloc (09022015). Collection method: clinical testing. Allele origin: germline.
Comment: This sequence change creates a premature translational stop signal (p.Asp203Argfs*14) in the DHX32 gene. It is expected to result in an absent or disrupted protein product. However, the current clinical and genetic evidence is not sufficient to establish whether loss-of-function variants in DHX32 cause disease. This variant is present in population databases (rs767373979, gnomAD 0.01%). This variant has not been reported in the literature in individuals affected with DHX32-related conditions. In summary, the available evidence is currently insufficient to determine the role of this variant in disease. Therefore, it has been classified as a Variant of Uncertain Significance.

NM_018180.3(DHX32):c.606dup (p.Asp203fs)

Gene: DHX32 (DEAH-box helicase 32 (putative); minus strand). Cytogenetic location: 10q26.2.
Variant type: Duplication.
Coding change: c.606dup on transcript NM_018180.3 (MANE Select); coding-DNA position 606, one base duplicated (A; older notation c.606dupA).
Protein change: p.Asp203fs; shifts the reading frame from aspartic acid 203.
Molecular consequence: frameshift variant.
Genome position (GRCh38, 1-based): chr10:125,859,846, T duplicated on the plus strand (A on the coding strand, the reverse complement: DHX32 is on the minus strand); the first of 3 consecutive T bases (chr10:125,859,846-125,859,848); duplicating any one gives the same sequence. VCF-style (leftmost placement, unchanged base first): chr10-125859845-C-CT. GRCh37 (hg19) VCF-style: chr10-127548414-C-CT.
Other names: short protein forms D203fs.
Identifiers: ClinVar variation 3603987 (VCV003603987.2).